The following is an entry in ClinVar:

ClinVar aggregate classification (germline): Pathogenic. Review status: criteria provided, multiple submitters, no conflicts (2 of 4 stars). 3 submissions from 3 submitters: Pathogenic (3). Last evaluated 2025-02-05.

Conditions:
Fanconi anemia complementation group A (FANCA). Also called: Fanconi anemia, group A; FANCA-Related Fanconi Anemia. Identifiers: Orphanet 84, MedGen C3469521, MONDO:0009215, OMIM 227650.
Fanconi anemia (FA). Also called: Fanconi's anemia. Identifiers: Orphanet 84, MedGen C0015625, MeSH D005199, MONDO:0019391.

Submissions (3):

St. Jude Molecular Pathology, St. Jude Children's Research Hospital
Classification: Pathogenic for Fanconi anemia complementation group A. Last evaluated: 2025-02-05. Review status: criteria provided, single submitter. Criteria: St. Jude Assertion Criteria 2020. Collection method: clinical testing. Allele origin: germline.
Comment: The FANCA c.664G>T (p.Glu222Ter) change is a nonsense variant that is predicted to cause premature protein truncation or absence of protein due to nonsense-mediated decay. To our knowledge, this variant has not been reported in individuals with Fanconi anemia. This variant is absent in gnomAD v2.1.1. In summary, this variant meets criteria to be classified as pathogenic.

Myriad Genetics, Inc.
Classification: Pathogenic for Fanconi anemia complementation group A. Last evaluated: 2024-05-08. Review status: criteria provided, single submitter. Criteria: Myriad Autosomal Dominant, Autosomal Recessive and X-Linked Classification Criteria (2023). Collection method: clinical testing. Allele origin: unknown.
Comment: NM_000135.2(FANCA):c.664G>T(E222*) is expected to be pathogenic in the context of Fanconi anemia complementation group A. This variant is predicted to lead to an abnormal or absent protein product due to the creation of a premature termination codon in FANCA, a gene where loss-of-function variants are known to be pathogenic. Please note: this variant was assessed in the context of healthy population screening.

Labcorp Genetics (formerly Invitae), Labcorp
Classification: Pathogenic for Fanconi anemia. Last evaluated: 2023-11-25. Review status: criteria provided, single submitter. Criteria: Invitae Variant Classification Sherloc (09022015). Collection method: clinical testing. Allele origin: germline.
Comment: This sequence change creates a premature translational stop signal (p.Glu222*) in the FANCA gene. It is expected to result in an absent or disrupted protein product. Loss-of-function variants in FANCA are known to be pathogenic (PMID: 19367192). This variant is not present in population databases (gnomAD no frequency). This variant has not been reported in the literature in individuals affected with FANCA-related conditions. ClinVar contains an entry for this variant (Variation ID: 841981). Algorithms developed to predict the effect of sequence changes on RNA splicing suggest that this variant may disrupt the consensus splice site. For these reasons, this variant has been classified as Pathogenic.

Literature cited by the submitters: PubMed 19367192 (cited by Labcorp Genetics (formerly Invitae), Labcorp).

NM_000135.4(FANCA):c.664G>T (p.Glu222Ter)

Gene: FANCA (FA complementation group A; minus strand). Cytogenetic location: 16q24.3.
Variant type: single nucleotide variant.
Coding change: c.664G>T on transcript NM_000135.4 (MANE Select); coding-DNA position 664, G replaced by T.
Protein change: p.Glu222Ter; replaces glutamic acid 222 with a stop codon.
Molecular consequence: nonsense.
Genome position (GRCh38, 1-based): chr16:89,805,325, C>A on the plus strand (G>T on the coding strand, the complement: FANCA is on the minus strand). VCF-style: chr16-89805325-C-A. GRCh37 (hg19) VCF-style: chr16-89871733-C-A.
Other names: c.664G>T, p.Glu222Ter (NM_001018112.3, NM_001286167.3); c.568G>T, p.Glu190Ter (NM_001351830.2); short protein forms E190*, E222*.
Identifiers: ClinVar variation 841981 (VCV000841981.9), dbSNP rs2040599267, ClinGen allele CA397477913.